The following is an entry in ClinVar:

ClinVar aggregate classification (germline): Uncertain significance (1 of 4 stars; one submission).

Submission:

GeneDx
Classification: Uncertain significance. Last evaluated: 2024-07-06. Review status: criteria provided, single submitter. Criteria: GeneDx Variant Classification Process June 2021. Collection method: clinical testing. Allele origin: germline. Affected: yes.
Comment: Not observed at significant frequency in large population cohorts (gnomAD); In silico analysis indicates that this missense variant does not alter protein structure/function; Has not been previously published as pathogenic or benign to our knowledge

NM_052867.4(NALCN):c.538A>G (p.Ser180Gly)

Gene: NALCN (sodium leak channel, non-selective; minus strand). Cytogenetic location: 13q33.1.
Variant type: single nucleotide variant.
Coding change: c.538A>G on transcript NM_052867.4 (MANE Select); coding-DNA position 538, A replaced by G.
Protein change: p.Ser180Gly; replaces serine 180 with glycine.
Molecular consequence: missense variant.
Genome position (GRCh38, 1-based): chr13:101,376,806, T>C on the plus strand (A>G on the coding strand, the complement: NALCN is on the minus strand). VCF-style: chr13-101376806-T-C. GRCh37 (hg19) VCF-style: chr13-102029157-T-C.
Other names: c.538A>G, p.Ser180Gly (NM_001350748.2, NM_001350749.2, NM_001350750.2 and 1 more transcripts); short protein forms S180G.
Identifiers: ClinVar variation 3393749 (VCV003393749.1).